The following is an entry in ClinVar:

ClinVar aggregate classification (germline): Uncertain significance (1 of 4 stars; one submission).

Submission:

GeneDx
Classification: Uncertain significance. Last evaluated: 2022-11-23. Review status: criteria provided, single submitter. Criteria: GeneDx Variant Classification Process June 2021. Collection method: clinical testing. Allele origin: germline. Affected: yes.
Comment: Variants in candidate genes are classified as variants of uncertain significance in accordance with ACMG guidelines (Richards et al., 2015); Not observed at significant frequency in large population cohorts (gnomAD); In silico analysis supports that this missense variant does not alter protein structure/function; Has not been previously published as pathogenic or benign to our knowledge

NM_033026.6(PCLO):c.4633G>A (p.Asp1545Asn)

Gene: PCLO (piccolo presynaptic cytomatrix protein; minus strand). Cytogenetic location: 7q21.11.
Variant type: single nucleotide variant.
Coding change: c.4633G>A on transcript NM_033026.6 (MANE Select); coding-DNA position 4633, G replaced by A.
Protein change: p.Asp1545Asn; replaces aspartic acid 1545 with asparagine.
Molecular consequence: missense variant.
Genome position (GRCh38, 1-based): chr7:82,956,320, C>T on the plus strand (G>A on the coding strand, the complement: PCLO is on the minus strand). VCF-style: chr7-82956320-C-T. GRCh37 (hg19) VCF-style: chr7-82585636-C-T.
Other names: c.4633G>A, p.Asp1545Asn (NM_014510.3); short protein forms D1545N.
Identifiers: ClinVar variation 3903238 (VCV003903238.1).
Genomic context (GRCh38, chr7:82,956,320, plus strand): 5'-CACTCATTTCTATGATTTGTTTTCGAATGAAGTCCTCCTCTTCCCCTGATCCTTGGCTGT[C>T]TTCCTGTTTATACTCATCACTGCTTGATGAGCCAACACTAGTTCTTCGTTTTCTTTGTGG-3'
Protein context (NP_149015.2, residues 1535-1555): SSSSDEYKQE[Asp1545Asn]SQGSGEEEDF